The following is an entry in ClinVar:

ClinVar aggregate classification (germline): Conflicting classifications of pathogenicity. Review status: criteria provided, conflicting classifications (1 of 4 stars). 2 submissions from 2 submitters: Uncertain significance (1); Likely benign (1). Last evaluated 2025-05-28.

Conditions:
Ehlers-Danlos syndrome, periodontal type 1. Identifiers: Orphanet 75392, MedGen C4551499, MONDO:0020684, OMIM 130080.

Allele frequency attached by ClinVar (database versions not stated): TOPMed 0.00004; ESP Exome Variant Server 0.00008.

Submissions (2):

Women's Health and Genetics/Laboratory Corporation of America, LabCorp
Classification: Likely benign. Last evaluated: 2025-05-28. Review status: criteria provided, single submitter. Criteria: LabCorp Variant Classification Summary - May 2015. Collection method: clinical testing. Allele origin: germline.
Comment: Variant summary: C1R c.646C>A (p.Pro216Thr) results in a non-conservative amino acid change in the encoded protein sequence. Algorithms developed to predict the effect of missense changes on protein structure and function are either unavailable or do not agree on the potential impact of this missense change. The variant allele was found at a frequency of 3.3e-05 in 780448 control chromosomes. The observed variant frequency is approximately 33.31 fold of the estimated maximal expected allele frequency for a pathogenic variant in C1R causing Ehlers-Danlos syndrome, periodontal type 1 phenotype (1e-06). To our knowledge, no occurrence of c.646C>A in individuals affected with Ehlers-Danlos syndrome, periodontal type 1 and no experimental evidence demonstrating its impact on protein function have been reported. ClinVar contains an entry for this variant (Variation ID: 931271). Based on the evidence outlined above, the variant was classified as likely benign.

Centre for Mendelian Genomics, University Medical Centre Ljubljana
Classification: Uncertain significance for Ehlers-Danlos syndrome, periodontal type 1. Last evaluated: 2018-10-05. Review status: criteria provided, single submitter. Criteria: ACMG Guidelines, 2015. Collection method: clinical testing. Allele origin: unknown. Affected: yes.
Comment: This variant was classified as: Uncertain significance. The available evidence favors the benign nature of this variant, however the evidence is insufficent to prove its benign nature. The following ACMG criteria were applied in classifying this variant: BS2.

NM_001733.7(C1R):c.646C>A (p.Pro216Thr)

Gene: C1R (complement C1r; minus strand). Cytogenetic location: 12p13.31.
Variant type: single nucleotide variant.
Coding change: c.646C>A on transcript NM_001733.7 (MANE Select); coding-DNA position 646, C replaced by A.
Protein change: p.Pro216Thr; replaces proline 216 with threonine.
Molecular consequence: missense variant.
Genome position (GRCh38, 1-based): chr12:7,089,415, G>T on the plus strand (C>A on the coding strand, the complement: C1R is on the minus strand). VCF-style: chr12-7089415-G-T. GRCh37 (hg19) VCF-style: chr12-7242011-G-T.
Other names: c.688C>A, p.Pro230Thr (NM_001354346.2); short protein forms P216T, P230T.
Identifiers: ClinVar variation 931271 (VCV000931271.4), dbSNP rs367700816, ClinGen allele CA6424170.